The following is an entry in ClinVar:

NM_016628.5(WAC):c.1289-9C>G

Gene: WAC (WW domain containing adaptor with coiled-coil; plus strand). Cytogenetic location: 10p12.1.
Variant type: single nucleotide variant.
Coding change: c.1289-9C>G on transcript NM_016628.5 (MANE Select); 9 bases into the intron before coding-DNA position 1289, C replaced by G.
Molecular consequence: intron variant.
Genome position (GRCh38, 1-based): chr10:28,611,765, C>G. VCF-style: chr10-28611765-C-G. GRCh37 (hg19) VCF-style: chr10-28900694-C-G.
Other names: c.1154-9C>G (NM_100264.3); c.980-9C>G (NM_100486.4).
Identifiers: ClinVar variation 4076304 (VCV004076304.3).

ClinVar aggregate classification (germline): Uncertain significance. Review status: criteria provided, multiple submitters, no conflicts (2 of 4 stars). 2 submissions from 2 submitters: Uncertain significance (2). Last evaluated 2025-01-21.

Conditions:
DeSanto-Shinawi syndrome due to WAC point mutation (DESSH). Also called: DEVELOPMENTAL DELAY, BEHAVIORAL ABNORMALITIES, FACIAL DYSMORPHISM, AND OCULAR ABNORMALITIES; Facial dysmorphism-developmental delay-behavioral abnormalities syndrome due to WAC point mutation; WAC-Related Intellectual Disability. Identifiers: Orphanet 284169, Orphanet 466950, MedGen C5681129, MONDO:0014741, OMIM 616708.

Submissions (2):

Dasa
Classification: Uncertain significance. Last evaluated: 2025-01-21. Review status: criteria provided, single submitter. Criteria: DASA Assertion Criteria. Collection method: clinical testing. Allele origin: germline.
Comment: NM_016628.5(WAC):c.1289-9C>G is a splice-region variant. This variant is absent from population databases. Computational prediction algorithms are consistent with a benign effect. The currently available literature and clinical evidence are not sufficient to establish a definitive association between this variant and the reported condition. Therefore, this variant is classified as a variant of uncertain significance.

Laboratorio de Genetica e Diagnostico Molecular, Hospital Israelita Albert Einstein
Classification: Uncertain significance for DeSanto-Shinawi syndrome due to WAC point mutation. Last evaluated: 2024-08-13. Review status: criteria provided, single submitter. Criteria: ACMG Guidelines, 2015. Collection method: clinical testing. Allele origin: germline. Affected: yes.
Comment: ACMG classification criteria: PM2 supporting, BP4 supporting